The following is an entry in ClinVar:

NM_153717.3(EVC):c.1031T>C (p.Met344Thr)

Gene: EVC (EvC ciliary complex subunit 1; plus strand). Cytogenetic location: 4p16.2.
Variant type: single nucleotide variant.
Coding change: c.1031T>C on transcript NM_153717.3 (MANE Select); coding-DNA position 1031, T replaced by C.
Protein change: p.Met344Thr; replaces methionine 344 with threonine.
Molecular consequence: missense variant.
Genome position (GRCh38, 1-based): chr4:5,748,239, T>C. VCF-style: chr4-5748239-T-C. GRCh37 (hg19) VCF-style: chr4-5749966-T-C.
Other names: c.1031T>C, p.Met344Thr (NM_001306090.2, NM_001306092.2); short protein forms M344T.
Identifiers: ClinVar variation 2923554 (VCV002923554.3), dbSNP rs1332636947, ClinGen allele CA356151550.

ClinVar aggregate classification (germline): Uncertain significance (1 of 4 stars; one submission).

Conditions:
Curry-Hall syndrome (WAD). Also called: WEYERS ACRODENTAL DYSOSTOSIS. Identifiers: Orphanet 952, MedGen C0457013, MONDO:0008673, OMIM 193530.
Ellis-van Creveld syndrome (EVC). Also called: EVC-Related Ellis-van Creveld Syndrome; EVC2-Related Ellis-van Creveld Syndrome; MESOECTODERMAL DYSPLASIA; Chondroectodermal dysplasia. Identifiers: Orphanet 289, MedGen C0013903, MONDO:0009162, OMIM 225500.

Allele frequency attached by ClinVar (database versions not stated): gnomAD exomes below 0.00001.
gnomAD v4.1: 1 of 1,614,184 alleles (0.000062%); highest among the groups gnomAD compares: Admixed American, 0.0017%; no homozygotes.

Submission:

Labcorp Genetics (formerly Invitae), Labcorp
Classification: Uncertain significance for Curry-Hall syndrome; Ellis-van Creveld syndrome. Last evaluated: 2024-01-01. Review status: criteria provided, single submitter. Criteria: Invitae Variant Classification Sherloc (09022015). Collection method: clinical testing. Allele origin: germline.
Comment: This sequence change replaces methionine, which is neutral and non-polar, with threonine, which is neutral and polar, at codon 344 of the EVC protein (p.Met344Thr). This variant is present in population databases (no rsID available, gnomAD 0.003%). This variant has not been reported in the literature in individuals affected with EVC-related conditions. Advanced modeling of protein sequence and biophysical properties (such as structural, functional, and spatial information, amino acid conservation, physicochemical variation, residue mobility, and thermodynamic stability) performed at Invitae indicates that this missense variant is not expected to disrupt EVC protein function with a negative predictive value of 80%. In summary, the available evidence is currently insufficient to determine the role of this variant in disease. Therefore, it has been classified as a Variant of Uncertain Significance.